The following is an entry in ClinVar:

ClinVar aggregate classification (germline): Uncertain significance (1 of 4 stars; one submission).

Conditions:
Developmental and epileptic encephalopathy, 8 (DEE8). Also called: HYPEREKPLEXIA AND EPILEPSY. Identifiers: Orphanet 163985, Orphanet 2076, MedGen C1845102, MONDO:0010375, OMIM 300607.

Submission:

Labcorp Genetics (formerly Invitae), Labcorp
Classification: Uncertain significance for Developmental and epileptic encephalopathy, 8. Last evaluated: 2023-10-13. Review status: criteria provided, single submitter. Criteria: Invitae Variant Classification Sherloc (09022015). Collection method: clinical testing. Allele origin: germline.
Comment: This sequence change replaces asparagine, which is neutral and polar, with aspartic acid, which is acidic and polar, at codon 42 of the ARHGEF9 protein (p.Asn42Asp). This variant is not present in population databases (gnomAD no frequency). This variant has not been reported in the literature in individuals affected with ARHGEF9-related conditions. ClinVar contains an entry for this variant (Variation ID: 1008702). Advanced modeling of protein sequence and biophysical properties (such as structural, functional, and spatial information, amino acid conservation, physicochemical variation, residue mobility, and thermodynamic stability) has been performed at Invitae for this missense variant, however the output from this modeling did not meet the statistical confidence thresholds required to predict the impact of this variant on ARHGEF9 protein function. In summary, the available evidence is currently insufficient to determine the role of this variant in disease. Therefore, it has been classified as a Variant of Uncertain Significance.

NM_001353921.2(ARHGEF9):c.145A>G (p.Asn49Asp)

Gene: ARHGEF9 (Cdc42 guanine nucleotide exchange factor 9; minus strand). Cytogenetic location: Xq11.1.
Variant type: single nucleotide variant.
Coding change: c.145A>G on transcript NM_001353921.2 (MANE Select); coding-DNA position 145, A replaced by G.
Protein change: p.Asn49Asp; replaces asparagine 49 with aspartic acid.
Molecular consequence: missense variant. On other transcripts: 5 prime UTR variant (2), intron variant (6).
Genome position (GRCh38, 1-based): chrX:63,724,597, T>C on the plus strand (A>G on the coding strand, the complement: ARHGEF9 is on the minus strand). VCF-style: chrX-63724597-T-C. GRCh37 (hg19) VCF-style: chrX-62944477-T-C.
Other names: c.61A>G, p.Asn21Asp (NM_001330495.2, NM_001353927.2, NM_001369033.1 and 8 more transcripts); c.145A>G, p.Asn49Asp (NM_001353922.2); c.163A>G, p.Asn55Asp (NM_001353923.1); c.124A>G, p.Asn42Asp (NM_001353928.2, NM_001369030.1, NM_001369031.1 and 2 more transcripts); c.-319A>G (NM_001369042.1); c.-559A>G (NM_001369045.1); c.31-18148A>G (NM_001173479.2); c.10-18148A>G (NM_001369040.1, NM_001369039.1, NM_001353926.2 and 1 more transcripts); and 1 more; short protein forms N21D, N42D, N49D, N55D.
Identifiers: ClinVar variation 1008702 (VCV001008702.9), dbSNP rs2053844904, ClinGen allele CA413404072.